The following is an entry in ClinVar:

NM_000179.3(MSH6):c.1969C>A (p.Gln657Lys)

Gene: MSH6 (mutS homolog 6; plus strand). Cytogenetic location: 2p16.3.
Variant type: single nucleotide variant.
Coding change: c.1969C>A on transcript NM_000179.3 (MANE Select); coding-DNA position 1969, C replaced by A.
Protein change: p.Gln657Lys; replaces glutamine 657 with lysine.
Molecular consequence: missense variant. On other transcripts: non-coding transcript variant (5), intron variant (2).
Genome position (GRCh38, 1-based): chr2:47,799,952, C>A. VCF-style: chr2-47799952-C-A. GRCh37 (hg19) VCF-style: chr2-48027091-C-A.
Other names: c.1063C>A, p.Gln355Lys (NM_001406815.1, NM_001406816.1, NM_001406811.1 and 6 more transcripts); c.1444C>A, p.Gln482Lys (NM_001406806.1, NM_001406807.1, NM_001406799.1); c.1969C>A, p.Gln657Lys (NM_001406808.1, NM_001406809.1, NM_001406796.1 and 3 more transcripts); c.1975C>A, p.Gln659Lys (NM_001406813.1); c.1579C>A, p.Gln527Lys (NM_001281492.2); c.2065C>A, p.Gln689Lys (NM_001406795.1, NM_001406802.1); c.1672C>A, p.Gln558Lys (NM_001406818.1, NM_001406819.1, NM_001406820.1 and 10 more transcripts); c.1801C>A, p.Gln601Lys (NM_001406826.1); and 3 more; short protein forms Q355K, Q558K, Q631K, Q659K, Q689K, Q482K, Q527K, Q601K.
Identifiers: ClinVar variation 5024885 (VCV005024885.1).

ClinVar aggregate classification (germline): Uncertain significance (1 of 4 stars; one submission).

Conditions:
Hereditary cancer-predisposing syndrome. Also called: Neoplastic Syndromes, Hereditary; Tumor predisposition; Hereditary neoplastic syndrome; Hereditary Cancer Syndrome. Identifiers: Orphanet 140162, MedGen C0027672, MeSH D009386, MONDO:0015356.

Submission:

Ambry Genetics
Classification: Uncertain significance for Hereditary cancer-predisposing syndrome. Last evaluated: 2026-07-02. Review status: criteria provided, single submitter. Criteria: Ambry Variant Classification Scheme 2023. Collection method: clinical testing. Allele origin: germline.
Comment: The p.Q657K variant (also known as c.1969C>A), located in coding exon 4 of the MSH6 gene, results from a C to A substitution at nucleotide position 1969. The glutamine at codon 657 is replaced by lysine, an amino acid with similar properties. This amino acid position is conserved. In addition, this alteration is predicted to be tolerated by in silico analysis. Based on the available evidence, the clinical significance of this variant remains unclear.